The following is an entry in ClinVar:

NM_001204.7(BMPR2):c.1102G>T (p.Glu368Ter)

Gene: BMPR2 (bone morphogenetic protein receptor type 2; plus strand). Cytogenetic location: 2q33.2.
Variant type: single nucleotide variant.
Coding change: c.1102G>T on transcript NM_001204.7 (MANE Select); coding-DNA position 1102, G replaced by T.
Protein change: p.Glu368Ter; replaces glutamic acid 368 with a stop codon.
Molecular consequence: nonsense.
Genome position (GRCh38, 1-based): chr2:202,530,928, G>T. VCF-style: chr2-202530928-G-T. GRCh37 (hg19) VCF-style: chr2-203395651-G-T.
Other names: short protein forms E368*.
Identifiers: ClinVar variation 1073527 (VCV001073527.9), dbSNP rs2106018257, ClinGen allele CA350341550.

ClinVar aggregate classification (germline): Pathogenic (1 of 4 stars; one submission).

Conditions:
Primary pulmonary hypertension. Also called: Idiopathic pulmonary hypertension. Identifiers: MedGen C0152171.

Submission:

Labcorp Genetics (formerly Invitae), Labcorp
Classification: Pathogenic for Primary pulmonary hypertension. Last evaluated: 2020-02-19. Review status: criteria provided, single submitter. Criteria: Invitae Variant Classification Sherloc (09022015). Collection method: clinical testing. Allele origin: germline.
Comment: This sequence change creates a premature translational stop signal (p.Glu368*) in the BMPR2 gene. It is expected to result in an absent or disrupted protein product. This variant is not present in population databases (ExAC no frequency). This variant has been observed in individual(s) with pulmonary arterial hypertension (PAH) (Invitae). Algorithms developed to predict the effect of sequence changes on RNA splicing suggest that this variant may create or strengthen a splice site, but this prediction has not been confirmed by published transcriptional studies. Loss-of-function variants in BMPR2 are known to be pathogenic (PMID: 16429395). For these reasons, this variant has been classified as Pathogenic.

Literature cited by the submitters: PubMed 16429395.